The following is an entry in ClinVar:

NM_020949.3(SLC7A14):c.1640G>A (p.Arg547Gln)

Genes: SLC7A14 (solute carrier family 7 member 14; minus strand), SLC7A14-AS1 (SLC7A14 antisense RNA 1; plus strand). Cytogenetic location: 3q26.2.
Variant type: single nucleotide variant.
Coding change: c.1640G>A on transcript NM_020949.3 (MANE Select); coding-DNA position 1640, G replaced by A.
Protein change: p.Arg547Gln; replaces arginine 547 with glutamine.
Molecular consequence: missense variant.
Genome position (GRCh38, 1-based): chr3:170,480,642, C>T on the plus strand (G>A on the coding strand, the complement: SLC7A14 is on the minus strand). VCF-style: chr3-170480642-C-T. GRCh37 (hg19) VCF-style: chr3-170198431-C-T.
Other names: short protein forms R547Q.
Identifiers: ClinVar variation 2414144 (VCV002414144.6), dbSNP rs201483223, ClinGen allele CA2701593.

ClinVar aggregate classification (germline): Uncertain significance (1 of 4 stars; one submission).

Allele frequency attached by ClinVar (database versions not stated): gnomAD exomes 0.00001; gnomAD 0.00002; TOPMed 0.00002; ExAC 0.00003; 1000 Genomes Project 30x 0.00016; 1000 Genomes Project 0.00020.
gnomAD v4.1: 19 of 1,614,218 alleles (0.0012%); highest among the groups gnomAD compares: Admixed American, 0.0083%; no homozygotes.

Submission:

Labcorp Genetics (formerly Invitae), Labcorp
Classification: Uncertain significance. Last evaluated: 2024-02-23. Review status: criteria provided, single submitter. Criteria: Invitae Variant Classification Sherloc (09022015). Collection method: clinical testing. Allele origin: germline.
Comment: This sequence change replaces arginine, which is basic and polar, with glutamine, which is neutral and polar, at codon 547 of the SLC7A14 protein (p.Arg547Gln). This variant is present in population databases (rs201483223, gnomAD 0.01%). This variant has not been reported in the literature in individuals affected with SLC7A14-related conditions. ClinVar contains an entry for this variant (Variation ID: 2414144). Algorithms developed to predict the effect of missense changes on protein structure and function output the following: SIFT: "Not Available"; PolyPhen-2: "Benign"; Align-GVGD: "Not Available". The glutamine amino acid residue is found in multiple mammalian species, which suggests that this missense change does not adversely affect protein function. In summary, the available evidence is currently insufficient to determine the role of this variant in disease. Therefore, it has been classified as a Variant of Uncertain Significance.